The following is an entry in ClinVar:

NM_000283.4(PDE6B):c.454G>A (p.Glu152Lys)

Gene: PDE6B (phosphodiesterase 6B; plus strand). Cytogenetic location: 4p16.3.
Variant type: single nucleotide variant.
Coding change: c.454G>A on transcript NM_000283.4 (MANE Select); coding-DNA position 454, G replaced by A.
Protein change: p.Glu152Lys; replaces glutamic acid 152 with lysine.
Molecular consequence: missense variant.
Genome position (GRCh38, 1-based): chr4:626,080, G>A. VCF-style: chr4-626080-G-A. GRCh37 (hg19) VCF-style: chr4-619869-G-A.
Other names: c.454G>A, p.Glu152Lys (NM_001145291.2); c.454G>A (NM_000283.3); short protein forms E152K.
Identifiers: ClinVar variation 1980770 (VCV001980770.6), dbSNP rs1302387853, ClinGen allele CA355907287.

ClinVar aggregate classification (germline): Conflicting classifications of pathogenicity. Review status: criteria provided, conflicting classifications (1 of 4 stars). 3 submissions from 3 submitters: Uncertain significance (2); Likely benign (1). Last evaluated 2024-12-16.

Conditions:
Inborn genetic diseases. Identifiers: MedGen C0950123, MeSH D030342.

Allele frequency attached by ClinVar (database versions not stated): gnomAD exomes 0.00001; TOPMed 0.00003; gnomAD 0.00005.
gnomAD v4.1: 26 of 1,584,584 alleles (0.0016%); highest among the groups gnomAD compares: African/African-American, 0.0027%; no homozygotes.

Submissions (3):

Ambry Genetics
Classification: Likely benign for Inborn genetic diseases. Last evaluated: 2024-12-16. Review status: criteria provided, single submitter. Criteria: Ambry Variant Classification Scheme 2023. Collection method: clinical testing. Allele origin: germline.

Blueprint Genetics
Classification: Uncertain significance. Last evaluated: 2024-09-02. Review status: criteria provided, single submitter. Criteria: ACMG Guidelines, 2015. Collection method: clinical testing. Allele origin: germline.

Labcorp Genetics (formerly Invitae), Labcorp
Classification: Uncertain significance. Last evaluated: 2022-10-19. Review status: criteria provided, single submitter. Criteria: Invitae Variant Classification Sherloc (09022015). Collection method: clinical testing. Allele origin: germline.
Comment: This sequence change replaces glutamic acid, which is acidic and polar, with lysine, which is basic and polar, at codon 152 of the PDE6B protein (p.Glu152Lys). In summary, the available evidence is currently insufficient to determine the role of this variant in disease. Therefore, it has been classified as a Variant of Uncertain Significance. Advanced modeling of protein sequence and biophysical properties (such as structural, functional, and spatial information, amino acid conservation, physicochemical variation, residue mobility, and thermodynamic stability) performed at Invitae indicates that this missense variant is not expected to disrupt PDE6B protein function. This variant has not been reported in the literature in individuals affected with PDE6B-related conditions. The frequency data for this variant in the population databases is considered unreliable, as metrics indicate poor data quality at this position in the gnomAD database.